The following is an entry in ClinVar:

NM_006361.6(HOXB13):c.316C>T (p.Leu106=)

Gene: HOXB13 (homeobox B13; minus strand). Cytogenetic location: 17q21.32.
Variant type: single nucleotide variant.
Coding change: c.316C>T on transcript NM_006361.6 (MANE Select); coding-DNA position 316, C replaced by T.
Protein change: p.Leu106=; no amino-acid change (leucine 106 retained).
Molecular consequence: synonymous variant.
Genome position (GRCh38, 1-based): chr17:48,728,278, G>A on the plus strand (C>T on the coding strand, the complement: HOXB13 is on the minus strand). VCF-style: chr17-48728278-G-A. GRCh37 (hg19) VCF-style: chr17-46805640-G-A.
Identifiers: ClinVar variation 3653445 (VCV003653445.3).

ClinVar aggregate classification (germline): Benign/Likely benign. Review status: criteria provided, multiple submitters, no conflicts (2 of 4 stars). 2 submissions from 2 submitters: Benign (1); Likely benign (1). Last evaluated 2024-10-29.

Conditions:
Prostate cancer, hereditary, 9 (HPC9). Identifiers: Orphanet 1331, MedGen C1970250, MONDO:0012597, OMIM 610997.

Submissions (2):

Myriad Genetics, Inc.
Classification: Benign for Prostate cancer, hereditary, 9. Last evaluated: 2024-10-29. Review status: criteria provided, single submitter. Criteria: Myriad Autosomal Dominant, Autosomal Recessive and X-Linked Classification Criteria (2023). Collection method: clinical testing. Allele origin: unknown.
Comment: This variant is considered benign. This variant is a silent/synonymous amino acid change and it is not expected to impact splicing.

Labcorp Genetics (formerly Invitae), Labcorp
Classification: Likely benign. Last evaluated: 2024-05-15. Review status: criteria provided, single submitter. Criteria: Invitae Variant Classification Sherloc (09022015). Collection method: clinical testing. Allele origin: germline.